The following is an entry in ClinVar:

NM_001009944.3(PKD1):c.7060C>T (p.Gln2354Ter)

Gene: PKD1 (polycystin 1, transient receptor potential channel interacting; minus strand). Cytogenetic location: 16p13.3.
Variant type: single nucleotide variant.
Coding change: c.7060C>T on transcript NM_001009944.3 (MANE Select); coding-DNA position 7060, C replaced by T.
Protein change: p.Gln2354Ter; replaces glutamine 2354 with a stop codon.
Molecular consequence: nonsense.
Genome position (GRCh38, 1-based): chr16:2,107,888, G>A on the plus strand (C>T on the coding strand, the complement: PKD1 is on the minus strand). VCF-style: chr16-2107888-G-A. GRCh37 (hg19) VCF-style: chr16-2157889-G-A.
Other names: c.7060C>T, p.Gln2354Ter (NM_000296.4); short protein forms Q2354*.
Identifiers: ClinVar variation 995205 (VCV000995205.4), dbSNP rs2092400157, ClinGen allele CA394372322.

ClinVar aggregate classification (germline): Pathogenic. Review status: criteria provided, multiple submitters, no conflicts (2 of 4 stars). 4 submissions from 4 submitters: Pathogenic (4). Last evaluated 2025-07-19.

Conditions:
Polycystic kidney disease, adult type (PKD1). Also called: Polycystic Kidney Disease 1, Autosomal Dominant; Polycystic kidney disease 1; Polycystic kidney disease 1, severe; POLYCYSTIC KIDNEY DISEASE 1 WITH OR WITHOUT POLYCYSTIC LIVER DISEASE; POLYCYSTIC KIDNEY DISEASE, ADULT, TYPE I; Polycystic Kidney, Autosomal Dominant. Identifiers: MedGen C3149841, MONDO:0008263, OMIM 173900.
PKD1-related disorder. Also called: PKD1-related condition.

Submissions (4):

3billion
Classification: Pathogenic for Polycystic kidney disease, adult type. Last evaluated: 2025-07-19. Review status: criteria provided, single submitter. Criteria: ACMG Guidelines, 2015. Collection method: clinical testing. Allele origin: germline. Affected: yes.
Comment: The variant is not observed in the gnomAD v4.1.0 dataset. Predicted Consequence/Location: Stop-gained (nonsense): predicted to result in a loss or disruption of normal protein function through nonsense-mediated decay (NMD) or protein truncation. Multiple pathogenic variants are reported downstream of the variant. The variant has been reported at least twice as pathogenic without evidence for the classification (ClinVar ID: VCV000995205 /PMID: 22508176). Therefore, this variant is classified as Pathogenic according to the recommendation of ACMG/AMP guideline.

Blueprint Genetics
Classification: Pathogenic for PKD1-related disorders. Last evaluated: 2023-03-03. Review status: criteria provided, single submitter. Criteria: ACMG Guidelines, 2015. Collection method: clinical testing. Allele origin: germline. Affected: yes. Observed: 1 variant allele.

Fulgent Genetics
Classification: Pathogenic for Polycystic kidney disease, adult type. Last evaluated: 2022-04-09. Review status: criteria provided, single submitter. Criteria: ACMG Guidelines, 2015. Collection method: clinical testing. Allele origin: unknown.

Athena Diagnostics
Classification: Pathogenic. Last evaluated: 2019-11-12. Review status: criteria provided, single submitter. Criteria: Athena Diagnostics Criteria. Collection method: clinical testing. Allele origin: unknown.
Comment: The variant creates a premature nonsense codon, and is therefore predicted to result in the loss of a functional protein. Found in at least one patient with expected phenotype for this gene, and not found in general population data.

Literature cited by the submitters: PubMed 22508176 (cited by 3billion and Athena Diagnostics).